The following is an entry in ClinVar:

ClinVar aggregate classification (germline): Uncertain significance (1 of 4 stars; one submission).

gnomAD v4.1: 3 of 1,614,192 alleles (0.00019%); highest among the groups gnomAD compares: Non-Finnish European, 0.00017%; no homozygotes.

Submission:

Labcorp Genetics (formerly Invitae), Labcorp
Classification: Uncertain significance. Last evaluated: 2025-12-02. Review status: criteria provided, single submitter. Criteria: Invitae Variant Classification Sherloc (09022015). Collection method: clinical testing. Allele origin: germline.
Comment: This sequence change replaces leucine, which is neutral and non-polar, with phenylalanine, which is neutral and non-polar, at codon 395 of the SERPING1 protein (p.Leu395Phe). This variant is present in population databases (rs368990869, gnomAD 0.0009%). This variant has not been reported in the literature in individuals affected with SERPING1-related conditions. An algorithm developed to predict the effect of missense changes on protein structure and function outputs the following: PolyPhen-2: "Benign". The phenylalanine amino acid residue is found in multiple mammalian species, which suggests that this missense change does not adversely affect protein function. In summary, the available evidence is currently insufficient to determine the role of this variant in disease. Therefore, it has been classified as a Variant of Uncertain Significance.

NM_000062.3(SERPING1):c.1183C>T (p.Leu395Phe)

Gene: SERPING1 (serpin family G member 1; plus strand). Cytogenetic location: 11q12.1.
Variant type: single nucleotide variant.
Coding change: c.1183C>T on transcript NM_000062.3 (MANE Select); coding-DNA position 1183, C replaced by T.
Protein change: p.Leu395Phe; replaces leucine 395 with phenylalanine.
Molecular consequence: missense variant.
Genome position (GRCh38, 1-based): chr11:57,611,870, C>T. VCF-style: chr11-57611870-C-T. GRCh37 (hg19) VCF-style: chr11-57379343-C-T.
Other names: c.1183C>T, p.Leu395Phe (NM_001032295.2); short protein forms L395F.
Identifiers: ClinVar variation 4741021 (VCV004741021.1).